The following is an entry in ClinVar:

NM_000263.4(NAGLU):c.1391G>A (p.Arg464Gln)

Gene: NAGLU (N-acetyl-alpha-glucosaminidase; plus strand). Cytogenetic location: 17q21.2.
Variant type: single nucleotide variant.
Coding change: c.1391G>A on transcript NM_000263.4 (MANE Select); coding-DNA position 1391, G replaced by A.
Protein change: p.Arg464Gln; replaces arginine 464 with glutamine.
Molecular consequence: missense variant.
Genome position (GRCh38, 1-based): chr17:42,543,397, G>A. VCF-style: chr17-42543397-G-A. GRCh37 (hg19) VCF-style: chr17-40695415-G-A.
Other names: short protein forms R464Q.
Identifiers: ClinVar variation 2199376 (VCV002199376.10), dbSNP rs377282648, ClinGen allele CA8577013.

ClinVar aggregate classification (germline): Uncertain significance. Review status: criteria provided, multiple submitters, no conflicts (2 of 4 stars). 4 submissions from 4 submitters: Uncertain significance (4). Last evaluated 2025-03-01.

Conditions:
Charcot-Marie-Tooth disease axonal type 2V. Also called: CHARCOT-MARIE-TOOTH NEUROPATHY, TYPE 2V; CHARCOT-MARIE-TOOTH DISEASE, AXONAL, AUTOSOMAL DOMINANT, TYPE 2V. Identifiers: Orphanet 447964, MedGen C5569050, MONDO:0014665, OMIM 616491.
Mucopolysaccharidosis, MPS-III-B (MPS3B). Also called: N-ACETYL-ALPHA-D-GLUCOSAMINIDASE DEFICIENCY; NAGLU DEFICIENCY; SANFILIPPO SYNDROME B; MPS III B; MPS IIIB (Sanfilippo Syndrome Type B); Mucopolysaccharidosis type IIIB (Sanfilippo B). Identifiers: Orphanet 79270, MedGen C0086648, MONDO:0009656, OMIM 252920.

Allele frequency attached by ClinVar (database versions not stated): gnomAD exomes 0.00006; TOPMed 0.00006; gnomAD 0.00007; ESP Exome Variant Server 0.00008; ExAC 0.00015.
gnomAD v4.1: 100 of 1,606,892 alleles (0.0062%); highest among the groups gnomAD compares: Middle Eastern, 0.016%; no homozygotes.

Submissions (4):

CeGaT Center for Human Genetics Tuebingen
Classification: Uncertain significance. Last evaluated: 2025-03-01. Review status: criteria provided, single submitter. Criteria: CeGaT Center For Human Genetics Tuebingen Variant Classification Criteria Version 2. Collection method: clinical testing. Allele origin: germline. Affected: yes. Observed: 1 variant allele.
Comment: NAGLU: PM2, PM3:Supporting

Blueprint Genetics
Classification: Uncertain significance. Last evaluated: 2024-10-16. Review status: criteria provided, single submitter. Criteria: ACMG Guidelines, 2015. Collection method: clinical testing. Allele origin: germline.

Clinical Genetics Laboratory, Skane University Hospital Lund
Classification: Uncertain significance. Last evaluated: 2022-12-12. Review status: criteria provided, single submitter. Criteria: ACMG Guidelines, 2015. Collection method: clinical testing. Allele origin: germline. Affected: yes.

Labcorp Genetics (formerly Invitae), Labcorp
Classification: Uncertain significance for Charcot-Marie-Tooth disease axonal type 2V; Mucopolysaccharidosis, MPS-III-B. Last evaluated: 2022-08-19. Review status: criteria provided, single submitter. Criteria: Invitae Variant Classification Sherloc (09022015). Collection method: clinical testing. Allele origin: germline.
Comment: This sequence change replaces arginine, which is basic and polar, with glutamine, which is neutral and polar, at codon 464 of the NAGLU protein (p.Arg464Gln). This variant is present in population databases (rs377282648, gnomAD 0.02%). This variant has not been reported in the literature in individuals affected with NAGLU-related conditions. Algorithms developed to predict the effect of missense changes on protein structure and function output the following: SIFT: "Tolerated"; PolyPhen-2: "Benign"; Align-GVGD: "Class C0". The glutamine amino acid residue is found in multiple mammalian species, which suggests that this missense change does not adversely affect protein function. Experimental studies have shown that this missense change affects NAGLU function (PMID: 29979746). In summary, the available evidence is currently insufficient to determine the role of this variant in disease. Therefore, it has been classified as a Variant of Uncertain Significance.

Literature cited by the submitters: PubMed 29979746 (cited by Labcorp Genetics (formerly Invitae), Labcorp).